The following is an entry in ClinVar:

ClinVar aggregate classification (germline): Conflicting classifications of pathogenicity. Review status: criteria provided, conflicting classifications (1 of 4 stars). 2 submissions from 2 submitters: Uncertain significance (1); Likely benign (1). Last evaluated 2025-04-22.

Conditions:
Inborn genetic diseases. Identifiers: MedGen C0950123, MeSH D030342.

Allele frequency attached by ClinVar (database versions not stated): ExAC 0.00001; gnomAD 0.00001 and 0.00002; gnomAD exomes 0.00001; TOPMed 0.00001.

Submissions (2):

Labcorp Genetics (formerly Invitae), Labcorp
Classification: Uncertain significance. Last evaluated: 2025-04-22. Review status: criteria provided, single submitter. Criteria: Invitae Variant Classification Sherloc (09022015). Collection method: clinical testing. Allele origin: germline.
Comment: This sequence change replaces arginine, which is basic and polar, with cysteine, which is neutral and slightly polar, at codon 633 of the CAMK2B protein (p.Arg633Cys). This variant is present in population databases (rs757988232, gnomAD 0.004%). This variant has not been reported in the literature in individuals affected with CAMK2B-related conditions. ClinVar contains an entry for this variant (Variation ID: 1478427). An algorithm developed to predict the effect of missense changes on protein structure and function (PolyPhen-2) suggests that this variant is likely to be disruptive. In summary, the available evidence is currently insufficient to determine the role of this variant in disease. Therefore, it has been classified as a Variant of Uncertain Significance.

Ambry Genetics
Classification: Likely benign for Inborn genetic diseases. Last evaluated: 2024-11-20. Review status: criteria provided, single submitter. Criteria: Ambry Variant Classification Scheme 2023. Collection method: clinical testing. Allele origin: germline.

NM_001220.5(CAMK2B):c.1897C>T (p.Arg633Cys)

Gene: CAMK2B (calcium/calmodulin dependent protein kinase II beta; minus strand). Cytogenetic location: 7p13.
Variant type: single nucleotide variant.
Coding change: c.1897C>T on transcript NM_001220.5 (MANE Select); coding-DNA position 1897, C replaced by T.
Protein change: p.Arg633Cys; replaces arginine 633 with cysteine.
Molecular consequence: missense variant.
Genome position (GRCh38, 1-based): chr7:44,220,166, G>A on the plus strand (C>T on the coding strand, the complement: CAMK2B is on the minus strand). VCF-style: chr7-44220166-G-A. GRCh37 (hg19) VCF-style: chr7-44259765-G-A.
Other names: c.1525C>T, p.Arg509Cys (NM_001293170.2, NM_172078.3); c.1453C>T, p.Arg485Cys (NM_172079.3); c.1450C>T, p.Arg484Cys (NM_172080.3); c.1408C>T, p.Arg470Cys (NM_172081.3); c.1375C>T, p.Arg459Cys (NM_172082.3); c.1336C>T, p.Arg446Cys (NM_172083.3); c.1246C>T, p.Arg416Cys (NM_172084.3); c.1897C>T (NM_001220.4); short protein forms R446C, R484C, R485C, R459C, R509C, R416C, R470C, R633C.
Identifiers: ClinVar variation 1478427 (VCV001478427.7), dbSNP rs757988232, ClinGen allele CA4240069.